The following is an entry in ClinVar:

NM_005228.5(EGFR):c.1182T>G (p.Ile394Met)

Genes: EGFR (epidermal growth factor receptor; plus strand), LOC126860048 (P300/CBP strongly-dependent group 1 enhancer GRCh37_chr7:55223847-55225046; plus strand). Cytogenetic location: 7p11.2.
Variant type: single nucleotide variant.
Coding change: c.1182T>G on transcript NM_005228.5 (MANE Select); coding-DNA position 1182, T replaced by G.
Protein change: p.Ile394Met; replaces isoleucine 394 with methionine.
Molecular consequence: missense variant.
Genome position (GRCh38, 1-based): chr7:55,156,807, T>G. VCF-style: chr7-55156807-T-G. GRCh37 (hg19) VCF-style: chr7-55224500-T-G.
Other names: c.1047T>G, p.Ile349Met (NM_001346897.2, NM_001346899.2); c.1182T>G, p.Ile394Met (NM_001346898.2, NM_201282.2, NM_201283.2 and 1 more transcripts); c.1023T>G, p.Ile341Met (NM_001346900.2); c.381T>G, p.Ile127Met (NM_001346941.2); short protein forms I127M, I341M, I349M, I394M.
Identifiers: ClinVar variation 1026663 (VCV001026663.8), dbSNP rs1178642122, ClinGen allele CA367578652.

ClinVar aggregate classification (germline): Uncertain significance. Review status: criteria provided, multiple submitters, no conflicts (2 of 4 stars). 3 submissions from 3 submitters: Uncertain significance (3). Last evaluated 2024-12-30.

Conditions:
Hereditary cancer-predisposing syndrome. Also called: Neoplastic Syndromes, Hereditary; Tumor predisposition; Hereditary Cancer Syndrome; Hereditary neoplastic syndrome. Identifiers: Orphanet 140162, MedGen C0027672, MeSH D009386, MONDO:0015356.
EGFR-related lung cancer (EGFR). Identifiers: MedGen CN130014.

Allele frequency attached by ClinVar (database versions not stated): gnomAD exomes below 0.00001; TOPMed 0.00002.
gnomAD v4.1: 2 of 1,614,240 alleles (0.00012%); highest among the groups gnomAD compares: Admixed American, 0.0033%; no homozygotes.

Submissions (3):

Ambry Genetics
Classification: Uncertain significance for Hereditary cancer-predisposing syndrome. Last evaluated: 2024-12-30. Review status: criteria provided, single submitter. Criteria: Ambry Variant Classification Scheme 2023. Collection method: clinical testing. Allele origin: germline.
Comment: The p.I394M variant (also known as c.1182T>G), located in coding exon 10 of the EGFR gene, results from a T to G substitution at nucleotide position 1182. The isoleucine at codon 394 is replaced by methionine, an amino acid with highly similar properties. This amino acid position is not well conserved in available vertebrate species. In addition, this alteration is predicted to be tolerated by in silico analysis. Based on the available evidence, the clinical significance of this variant remains unclear.

Labcorp Genetics (formerly Invitae), Labcorp
Classification: Uncertain significance for EGFR-related lung cancer. Last evaluated: 2024-12-15. Review status: criteria provided, single submitter. Criteria: Invitae Variant Classification Sherloc (09022015). Collection method: clinical testing. Allele origin: germline.
Comment: This sequence change replaces isoleucine, which is neutral and non-polar, with methionine, which is neutral and non-polar, at codon 394 of the EGFR protein (p.Ile394Met). This variant is present in population databases (no rsID available, gnomAD 0.003%). This variant has not been reported in the literature in individuals affected with EGFR-related conditions. ClinVar contains an entry for this variant (Variation ID: 1026663). Invitae Evidence Modeling of protein sequence and biophysical properties (such as structural, functional, and spatial information, amino acid conservation, physicochemical variation, residue mobility, and thermodynamic stability) indicates that this missense variant is not expected to disrupt EGFR protein function with a negative predictive value of 80%. In summary, the available evidence is currently insufficient to determine the role of this variant in disease. Therefore, it has been classified as a Variant of Uncertain Significance.

Sema4
Classification: Uncertain significance for Hereditary cancer-predisposing syndrome. Last evaluated: 2022-03-21. Review status: criteria provided, single submitter. Criteria: Sema4 Curation Guidelines. Collection method: curation. Allele origin: germline.
Comment: The EGFR c.1182T>G (p.I394M) variant has not been reported in the literature to our knowledge. This variant was observed in 1/34586 chromosomes in the Latino population according to the Genome Aggregation Database (PMID: 32461654). This variant has been reported in ClinVar (Variation ID: 1026663). Functional studies have not been performed, and in silico predictions of the variant's effect on protein function are inconclusive. The evidence is insufficient to meet ACMG/AMP criteria for classifying the variant as benign or pathogenic. Thus, the clinical significance of this variant is currently uncertain.